The following is an entry in ClinVar:

ClinVar aggregate classification (germline): Uncertain significance (1 of 4 stars; one submission).

Allele frequency attached by ClinVar (database versions not stated): ESP Exome Variant Server 0.00008; 1000 Genomes Project 30x 0.00031; 1000 Genomes Project 0.00040.
gnomAD v4.1: 124 of 1,612,870 alleles (0.0077%); highest among the groups gnomAD compares: South Asian, 0.066%; 1 homozygote.

Submission:

Labcorp Genetics (formerly Invitae), Labcorp
Classification: Uncertain significance. Last evaluated: 2023-02-06. Review status: criteria provided, single submitter. Criteria: Invitae Variant Classification Sherloc (09022015). Collection method: clinical testing. Allele origin: germline.
Comment: This sequence change replaces alanine, which is neutral and non-polar, with valine, which is neutral and non-polar, at codon 241 of the KANK2 protein (p.Ala241Val). This variant is present in population databases (rs201281642, gnomAD 0.07%), and has an allele count higher than expected for a pathogenic variant. This variant has not been reported in the literature in individuals affected with KANK2-related conditions. Algorithms developed to predict the effect of missense changes on protein structure and function (SIFT, PolyPhen-2, Align-GVGD) all suggest that this variant is likely to be tolerated. In summary, the available evidence is currently insufficient to determine the role of this variant in disease. Therefore, it has been classified as a Variant of Uncertain Significance.

NM_001136191.3(KANK2):c.722C>T (p.Ala241Val)

Gene: KANK2 (KN motif and ankyrin repeat domains 2; minus strand). Cytogenetic location: 19p13.2.
Variant type: single nucleotide variant.
Coding change: c.722C>T on transcript NM_001136191.3 (MANE Select); coding-DNA position 722, C replaced by T.
Protein change: p.Ala241Val; replaces alanine 241 with valine.
Molecular consequence: missense variant.
Genome position (GRCh38, 1-based): chr19:11,193,358, G>A on the plus strand (C>T on the coding strand, the complement: KANK2 is on the minus strand). VCF-style: chr19-11193358-G-A. GRCh37 (hg19) VCF-style: chr19-11304034-G-A.
Other names: c.722C>T, p.Ala241Val (NM_001329451.2, NM_001379548.1, NM_001379549.1 and 15 more transcripts); short protein forms A241V.
Identifiers: ClinVar variation 2694914 (VCV002694914.3), dbSNP rs201281642, ClinGen allele CA9205991.